The following is an entry in ClinVar:

ClinVar aggregate classification (germline): Uncertain significance (1 of 4 stars; one submission).

Allele frequency attached by ClinVar (database versions not stated): TOPMed below 0.00001; gnomAD 0.00001; gnomAD exomes 0.00002 and 0.00009; ExAC 0.00010; 1000 Genomes Project 30x 0.00031; 1000 Genomes Project 0.00040.
gnomAD v4.1: 38 of 1,575,440 alleles (0.0024%); highest among the groups gnomAD compares: South Asian, 0.036%; no homozygotes.

Submission:

Labcorp Genetics (formerly Invitae), Labcorp
Classification: Uncertain significance. Last evaluated: 2024-02-24. Review status: criteria provided, single submitter. Criteria: Invitae Variant Classification Sherloc (09022015). Collection method: clinical testing. Allele origin: germline.
Comment: This sequence change replaces serine, which is neutral and polar, with tyrosine, which is neutral and polar, at codon 499 of the CREB3L1 protein (p.Ser499Tyr). This variant is present in population databases (rs550341266, gnomAD 0.06%). This variant has not been reported in the literature in individuals affected with CREB3L1-related conditions. ClinVar contains an entry for this variant (Variation ID: 1394443). An algorithm developed to predict the effect of missense changes on protein structure and function (PolyPhen-2) suggests that this variant is likely to be disruptive. In summary, the available evidence is currently insufficient to determine the role of this variant in disease. Therefore, it has been classified as a Variant of Uncertain Significance.

NM_052854.4(CREB3L1):c.1496C>A (p.Ser499Tyr)

Gene: CREB3L1 (cAMP responsive element binding protein 3 like 1; plus strand). Cytogenetic location: 11p11.2.
Variant type: single nucleotide variant.
Coding change: c.1496C>A on transcript NM_052854.4 (MANE Select); coding-DNA position 1496, C replaced by A.
Protein change: p.Ser499Tyr; replaces serine 499 with tyrosine.
Molecular consequence: missense variant.
Genome position (GRCh38, 1-based): chr11:46,320,501, C>A. VCF-style: chr11-46320501-C-A. GRCh37 (hg19) VCF-style: chr11-46342052-C-A.
Other names: short protein forms S499Y.
Identifiers: ClinVar variation 1394443 (VCV001394443.6), dbSNP rs550341266, ClinGen allele CA5961894.